The following is an entry in ClinVar:

NM_031407.7(HUWE1):c.12658C>T (p.Arg4220Cys)

Gene: HUWE1 (HECT, UBA and WWE domain containing E3 ubiquitin protein ligase 1; minus strand). Cytogenetic location: Xp11.22.
Variant type: single nucleotide variant.
Coding change: c.12658C>T on transcript NM_031407.7 (MANE Select); coding-DNA position 12658, C replaced by T.
Protein change: p.Arg4220Cys; replaces arginine 4220 with cysteine.
Molecular consequence: missense variant.
Genome position (GRCh38, 1-based): chrX:53,534,689, G>A on the plus strand (C>T on the coding strand, the complement: HUWE1 is on the minus strand). VCF-style: chrX-53534689-G-A. GRCh37 (hg19) VCF-style: chrX-53561650-G-A.
Other names: c.12610C>T, p.Arg4204Cys (NM_001441048.1, NM_001441053.1, NM_001441058.1); c.12613C>T, p.Arg4205Cys (NM_001441049.1, NM_001441054.1); c.12634C>T, p.Arg4212Cys (NM_001441050.1, NM_001441055.1); c.12655C>T, p.Arg4219Cys (NM_001441051.1, NM_001441056.1); c.12256C>T, p.Arg4086Cys (NM_001441052.1); c.12658C>T, p.Arg4220Cys (NM_001441057.1); short protein forms R4086C, R4204C, R4205C, R4212C, R4219C, R4220C.
Identifiers: ClinVar variation 5017635 (VCV005017635.1).

ClinVar aggregate classification (germline): Uncertain significance (1 of 4 stars; one submission).

gnomAD v4.1: 1 of 1,210,081 alleles (0.000083%); highest among the groups gnomAD compares: South Asian, 0.0018%; no homozygotes.

Submission:

GeneDx
Classification: Uncertain significance. Last evaluated: 2026-03-30. Review status: criteria provided, single submitter. Criteria: GeneDx Variant Classification Process June 2021. Collection method: clinical testing. Allele origin: germline.
Comment: Not observed at significant frequency in large population cohorts (gnomAD); In silico analysis supports that this missense variant has a deleterious effect on protein structure/function; Has not been previously published as pathogenic or benign to our knowledge